The following is an entry in ClinVar:

NM_001083962.2(TCF4):c.850C>T (p.His284Tyr)

Genes: TCF4 (transcription factor 4; minus strand), LOC126862757 (CDK7 strongly-dependent group 2 enhancer GRCh37_chr18:52936433-52937632; plus strand). Cytogenetic location: 18q21.2.
Variant type: single nucleotide variant.
Coding change: c.850C>T on transcript NM_001083962.2 (MANE Select); coding-DNA position 850, C replaced by T.
Protein change: p.His284Tyr; replaces histidine 284 with tyrosine.
Molecular consequence: missense variant.
Genome position (GRCh38, 1-based): chr18:55,269,903, G>A on the plus strand (C>T on the coding strand, the complement: TCF4 is on the minus strand). VCF-style: chr18-55269903-G-A. GRCh37 (hg19) VCF-style: chr18-52937134-G-A.
Other names: NM_001083962.2(TCF4):c.850C>T; p.His284Tyr; c.847C>T, p.His283Tyr (NM_001369569.1, NM_001369570.1, NM_001369573.1); c.850C>T, p.His284Tyr (NM_001369571.1, NM_001369572.1, NM_001369574.1 and 4 more transcripts); c.778C>T, p.His260Tyr (NM_001369575.1, NM_001369577.1, NM_001243227.2 and 9 more transcripts); c.775C>T, p.His259Tyr (NM_001369576.1, NM_001369578.1, NM_001348220.1 and 3 more transcripts); c.1156C>T, p.His386Tyr (NM_001243226.3); c.868C>T, p.His290Tyr (NM_001243228.2); and 6 more; short protein forms H284Y, H124Y, H290Y, H386Y, H68Y, H242Y, H260Y, H213Y.
Identifiers: ClinVar variation 224133 (VCV000224133.10), dbSNP rs869312695, ClinGen allele CA357196.

ClinVar aggregate classification (germline): Uncertain significance. Review status: reviewed by expert panel (3 of 4 stars). 5 submissions from 5 submitters: Uncertain significance (1). 4 of the submissions do not count toward it. Last evaluated 2023-12-06.

Conditions:
Inborn genetic diseases. Identifiers: MedGen C0950123, MeSH D030342.
Pitt-Hopkins syndrome (PTHS). Also called: ENCEPHALOPATHY, SEVERE EPILEPTIC, WITH AUTONOMIC DYSFUNCTION; MENTAL RETARDATION, SYNDROMAL, WITH INTERMITTENT HYPERVENTILATION. Identifiers: Orphanet 2896, MedGen C1970431, MONDO:0012589, OMIM 610954.

Allele frequency attached by ClinVar (database versions not stated): gnomAD exomes below 0.00001.
gnomAD v4.1: 2 of 1,613,394 alleles (0.00012%); highest among the groups gnomAD compares: Non-Finnish European, 0.00017%; no homozygotes.

Submissions (5):

ClinGen Rett and Angelman-like Disorders Variant Curation Expert Panel
Classification: Uncertain significance for Pitt-Hopkins syndrome. Last evaluated: 2023-12-06. Review status: reviewed by expert panel. Criteria: ClinGen RettAS ACMG Specifications TCF4 V3.0.0. Collection method: curation. Allele origin: germline. Inheritance: Autosomal dominant inheritance.
Comment: The p.His284Tyr variant in TCF4 has been reported in an individual with a neurodevelopmental phenotype (PMID 28554332). The p.His284Tyr variant is present in two XY individuals in gnomAD v4 (0.0003%) (not sufficient to meet BS1 criteria). Computational prediction analysis tools are inconclusive for this variant. In summary, the p.His284Tyr variant in TCF4 is classified as a Variant of Unknown Significance based on the ACMG/AMP criteria (no criteria met).

Ambry Genetics
Classification: Uncertain significance for Inborn genetic diseases. Last evaluated: 2025-12-18. Review status: criteria provided, single submitter. Criteria: Ambry Variant Classification Scheme 2023. Collection method: clinical testing. Allele origin: germline. Not counted in ClinVar's aggregate classification.

Labcorp Genetics (formerly Invitae), Labcorp
Classification: Uncertain significance for Pitt-Hopkins syndrome. Last evaluated: 2021-08-26. Review status: criteria provided, single submitter. Criteria: Invitae Variant Classification Sherloc (09022015). Collection method: clinical testing. Allele origin: germline. Not counted in ClinVar's aggregate classification.

GeneDx
Classification: Uncertain significance. Last evaluated: 2020-07-10. Review status: criteria provided, single submitter. Criteria: GeneDx Variant Classification Process June 2021. Collection method: clinical testing. Allele origin: germline. Affected: yes. Not counted in ClinVar's aggregate classification.
Comment: Reported previously in an individual with severe intellectual disability, hypotonia, macrocephaly, and possible mild periventricular leukomalacia (Bowling et al., 2017); In silico analysis supports that this missense variant has a deleterious effect on protein structure/function; Not observed in large population cohorts (Lek et al., 2016); This variant is associated with the following publications: (PMID: 28554332)

HudsonAlpha Institute for Biotechnology
Classification: Uncertain significance for Pitt-Hopkins syndrome. Last evaluated: 2015-10-08. Review status: criteria provided, single submitter. Criteria: HA_assertions_20161101. Collection method: research. Allele origin: unknown. Affected: yes. Observed: 1 variant allele. Study: CSER-HudsonAlpha. Not counted in ClinVar's aggregate classification.

Literature cited by the submitters: PubMed 28554332 (cited by Ambry Genetics).